The following is an entry in ClinVar:

ClinVar aggregate classification (germline): Uncertain significance (1 of 4 stars; one submission).

Submission:

Labcorp Genetics (formerly Invitae), Labcorp
Classification: Uncertain significance. Last evaluated: 2024-11-04. Review status: criteria provided, single submitter. Criteria: Invitae Variant Classification Sherloc (09022015). Collection method: clinical testing. Allele origin: germline.
Comment: This sequence change replaces cysteine, which is neutral and slightly polar, with phenylalanine, which is neutral and non-polar, at codon 277 of the LIPC protein (p.Cys277Phe). This variant is not present in population databases (gnomAD no frequency). This variant has not been reported in the literature in individuals affected with LIPC-related conditions. Invitae Evidence Modeling of protein sequence and biophysical properties (such as structural, functional, and spatial information, amino acid conservation, physicochemical variation, residue mobility, and thermodynamic stability) indicates that this missense variant is expected to disrupt LIPC protein function with a positive predictive value of 80%. In summary, the available evidence is currently insufficient to determine the role of this variant in disease. Therefore, it has been classified as a Variant of Uncertain Significance.

NM_000236.3(LIPC):c.830G>T (p.Cys277Phe)

Gene: LIPC (lipase C, hepatic type; plus strand). Cytogenetic location: 15q21.3.
Variant type: single nucleotide variant.
Coding change: c.830G>T on transcript NM_000236.3 (MANE Select); coding-DNA position 830, G replaced by T.
Protein change: p.Cys277Phe; replaces cysteine 277 with phenylalanine.
Molecular consequence: missense variant.
Genome position (GRCh38, 1-based): chr15:58,548,351, G>T. VCF-style: chr15-58548351-G-T. GRCh37 (hg19) VCF-style: chr15-58840550-G-T.
Other names: short protein forms C277F.
Identifiers: ClinVar variation 3704296 (VCV003704296.2).
Genomic context (GRCh38, chr15:58,548,351, plus strand): 5'-GTTAAGGGGTGATAACGTCCTTCTTGCCCTGTGTTCCAGCCATCACCCAGACCATAAAAT[G>T]CTCCCACGAGCGATCGGTGCACCTTTTCATCGACTCCTTGCTGCACGCCGGCACGCAGAG-3'
Protein context (NP_000227.2, residues 267-287): GFNAITQTIK[Cys277Phe]SHERSVHLFI